The following is an entry in ClinVar:

ClinVar aggregate classification (germline): Uncertain significance (1 of 4 stars; one submission).

Conditions:
PCNT-related disorder. Also called: PCNT-related condition.

Submission:

PreventionGenetics, part of Exact Sciences
Classification: Uncertain significance for PCNT-related condition. Last evaluated: 2025-02-09. Review status: criteria provided, single submitter. Criteria: ACMG Guidelines, 2015. Collection method: clinical testing. Allele origin: germline.
Comment: The PCNT c.9990C>A variant is predicted to result in premature protein termination (p.Cys3330*). To our knowledge, this variant has not been reported in the literature. This variant is reported in 0.0062% of alleles in individuals of African descent in gnomAD. Protein truncating variants in PCNT have been reported as pathogenic; however, all documented variants occur upstream of amino acid 3314 (Human Gene Mutation Database). At this time, the clinical significance of this variant is uncertain due to the absence of conclusive functional and genetic evidence.

NM_006031.6(PCNT):c.9990C>A (p.Cys3330Ter)

Gene: PCNT (pericentrin; plus strand). Cytogenetic location: 21q22.3.
Variant type: single nucleotide variant.
Coding change: c.9990C>A on transcript NM_006031.6 (MANE Select); coding-DNA position 9990, C replaced by A.
Protein change: p.Cys3330Ter; replaces cysteine 3330 with a stop codon.
Molecular consequence: nonsense.
Genome position (GRCh38, 1-based): chr21:46,445,306, C>A. VCF-style: chr21-46445306-C-A. GRCh37 (hg19) VCF-style: chr21-47865219-C-A.
Other names: c.9399C>A, p.Cys3133Ter (NM_001315529.2); short protein forms C3330*, C3133*.
Identifiers: ClinVar variation 5002651 (VCV005002651.1).
Genomic context (GRCh38, chr21:46,445,306, plus strand): 5'-TGTAACCAATTTGCTGCCTCATTTTTATTTATATGCAGATTCTACTTCAAAGAAATCCTG[C>A]CACCCGATGATTAAACAGTGAATAAAATGTCATGGCTCTTTCCTGCGACAATTCTATTTG-3'